The following is an entry in ClinVar:

NM_005120.3(MED12):c.3022G>A (p.Val1008Met)

Gene: MED12 (mediator complex subunit 12; plus strand). Cytogenetic location: Xq13.1.
Variant type: single nucleotide variant.
Coding change: c.3022G>A on transcript NM_005120.3 (MANE Select); coding-DNA position 3022, G replaced by A.
Protein change: p.Val1008Met; replaces valine 1008 with methionine.
Molecular consequence: missense variant.
Genome position (GRCh38, 1-based): chrX:71,127,933, G>A. VCF-style: chrX-71127933-G-A. GRCh37 (hg19) VCF-style: chrX-70347783-G-A.
Other names: short protein forms V1008M.
Identifiers: ClinVar variation 1798934 (VCV001798934.2), dbSNP rs1602299144, ClinGen allele CA413517049.

ClinVar aggregate classification (germline): Uncertain significance (1 of 4 stars; one submission).

Conditions:
Familial thoracic aortic aneurysm and aortic dissection (TAAD). Also called: Thoracic aortic aneurysms and dissections. Identifiers: Orphanet 91387, MedGen C4707243, MONDO:0019625.

Allele frequency attached by ClinVar (database versions not stated): gnomAD exomes 0.00001.
gnomAD v4.1: 12 of 1,211,311 alleles (0.00099%); highest among the groups gnomAD compares: South Asian, 0.0018%; no homozygotes.

Submission:

Ambry Genetics
Classification: Uncertain significance for Familial thoracic aortic aneurysm and aortic dissection. Last evaluated: 2022-08-24. Review status: criteria provided, single submitter. Criteria: Ambry Variant Classification Scheme 2023. Collection method: clinical testing. Allele origin: germline.
Comment: The p.V1008M variant (also known as c.3022G>A), located in coding exon 22 of the MED12 gene, results from a G to A substitution at nucleotide position 3022. The valine at codon 1008 is replaced by methionine, an amino acid with highly similar properties. This amino acid position is conserved. In addition, this alteration is predicted to be tolerated by in silico analysis. Since supporting evidence is limited at this time, the clinical significance of this alteration remains unclear.